The following is an entry in ClinVar:

ClinVar aggregate classification (germline): Uncertain significance (1 of 4 stars; one submission).

Conditions:
Psoriasis 2. Identifiers: MedGen C1864497, MONDO:0011269, OMIM 602723.
Pityriasis rubra pilaris (PRP). Also called: Pityriasis rubra pilaris--familial type. Identifiers: Orphanet 2897, MedGen C0032027, MONDO:0100017, OMIM 173200, MONDO:0008251.

Submission:

Labcorp Genetics (formerly Invitae), Labcorp
Classification: Uncertain significance for Pityriasis rubra pilaris; Psoriasis 2. Last evaluated: 2024-01-07. Review status: criteria provided, single submitter. Criteria: Invitae Variant Classification Sherloc (09022015). Collection method: clinical testing. Allele origin: germline.
Comment: This sequence change replaces alanine, which is neutral and non-polar, with valine, which is neutral and non-polar, at codon 686 of the CARD14 protein (p.Ala686Val). This variant is not present in population databases (gnomAD no frequency). This variant has not been reported in the literature in individuals affected with CARD14-related conditions. Algorithms developed to predict the effect of missense changes on protein structure and function output the following: SIFT: "Not Available"; PolyPhen-2: "Benign"; Align-GVGD: "Not Available". The valine amino acid residue is found in multiple mammalian species, which suggests that this missense change does not adversely affect protein function. In summary, the available evidence is currently insufficient to determine the role of this variant in disease. Therefore, it has been classified as a Variant of Uncertain Significance.

NM_001366385.1(CARD14):c.2057C>T (p.Ala686Val)

Genes: SGSH (N-sulfoglucosamine sulfohydrolase; minus strand), CARD14 (caspase recruitment domain family member 14; plus strand). Cytogenetic location: 17q25.3.
Variant type: single nucleotide variant.
Coding change: c.2057C>T on transcript NM_001366385.1 (MANE Select); coding-DNA position 2057, C replaced by T.
Protein change: p.Ala686Val; replaces alanine 686 with valine.
Molecular consequence: missense variant. On other transcripts: non-coding transcript variant (1).
Genome position (GRCh38, 1-based): chr17:80,202,258, C>T. VCF-style: chr17-80202258-C-T. GRCh37 (hg19) VCF-style: chr17-78176057-C-T.
Other names: c.2057C>T, p.Ala686Val (NM_001257970.1, NM_024110.4); short protein forms A686V.
Identifiers: ClinVar variation 2922014 (VCV002922014.3), dbSNP rs2510723395, ClinGen allele CA401353424.